The following is an entry in ClinVar:

ClinVar aggregate classification (germline): Pathogenic (1 of 4 stars; one submission).

Conditions:
Ataxia-telangiectasia syndrome (AT). Also called: Ataxia-telangiectasia, complementation group D; AT, COMPLEMENTATION GROUP C; Cerebello-oculocutaneous telangiectasia; Immunodeficiency with ataxia telangiectasia; Ataxia-telangiectasia, complementation group E; LOUIS-BAR SYNDROME. Identifiers: Orphanet 100, MedGen C0004135, MONDO:0008840, OMIM 208900.

Submission:

Labcorp Genetics (formerly Invitae), Labcorp
Classification: Pathogenic for Ataxia-telangiectasia syndrome. Last evaluated: 2022-08-23. Review status: criteria provided, single submitter. Criteria: Invitae Variant Classification Sherloc (09022015). Collection method: clinical testing. Allele origin: germline.
Comment: For these reasons, this variant has been classified as Pathogenic. This variant has not been reported in the literature in individuals affected with ATM-related conditions. This variant is a gross deletion of the genomic region encompassing exon(s) 6 of the ATM gene. This deletion is out-of-frame, and is expected to create a premature termination codon and result in an absent or disrupted protein product. Loss-of-function variants in ATM are known to be pathogenic (PMID: 23807571, 25614872).

Literature cited by the submitters: PubMed 23807571; PubMed 25614872.

NC_000011.9:g.(?_108114662)_(108114855_?)del

Gene: ATM (ATM serine/threonine kinase; plus strand). Cytogenetic location: 11q22.3.
Variant type: Deletion.
Identifiers: ClinVar variation 1460096 (VCV001460096.7).